The following is an entry in ClinVar:

ClinVar aggregate classification (germline): Uncertain significance (1 of 4 stars; one submission).

Conditions:
Von Hippel-Lindau syndrome (VHLS). Also called: Von Hippel-Lindau; von Hippel–Lindau syndrome; VHL syndrome. Identifiers: Orphanet 892, MedGen C0019562, MONDO:0008667, OMIM 193300. Disease mechanism: loss of function.
Chuvash polycythemia. Also called: POLYCYTHEMIA, VHL-DEPENDENT. Identifiers: Orphanet 238557, MedGen C1837915, MONDO:0009892, OMIM 263400.

Submission:

Labcorp Genetics (formerly Invitae), Labcorp
Classification: Uncertain significance for Von Hippel-Lindau syndrome; Chuvash polycythemia. Last evaluated: 2025-07-06. Review status: criteria provided, single submitter. Criteria: Invitae Variant Classification Sherloc (09022015). Collection method: clinical testing. Allele origin: germline.
Comment: This sequence change replaces alanine, which is neutral and non-polar, with threonine, which is neutral and polar, at codon 207 of the VHL protein (p.Ala207Thr). This variant is not present in population databases (gnomAD no frequency). This variant has not been reported in the literature in individuals affected with VHL-related conditions. ClinVar contains an entry for this variant (Variation ID: 1041369). An algorithm developed to predict the effect of missense changes on protein structure and function outputs the following: PolyPhen-2: "Benign". The threonine amino acid residue is found in multiple mammalian species, which suggests that this missense change does not adversely affect protein function. In summary, the available evidence is currently insufficient to determine the role of this variant in disease. Therefore, it has been classified as a Variant of Uncertain Significance.

NM_000551.4(VHL):c.619G>A (p.Ala207Thr)

Genes: VHL (von Hippel-Lindau tumor suppressor; plus strand), LOC107303340 (3p25 von Hippel-Lindau tumor suppressor, E3 ubiquitin protein ligase Alu-mediated recombination region; plus strand). Cytogenetic location: 3p25.3.
Variant type: single nucleotide variant.
Coding change: c.619G>A on transcript NM_000551.4 (MANE Select); coding-DNA position 619, G replaced by A.
Protein change: p.Ala207Thr; replaces alanine 207 with threonine.
Molecular consequence: missense variant. On other transcripts: 3 prime UTR variant (1).
Genome position (GRCh38, 1-based): chr3:10,149,942, G>A. VCF-style: chr3-10149942-G-A. GRCh37 (hg19) VCF-style: chr3-10191626-G-A.
Other names: c.*173G>A (NM_001354723.2); c.496G>A, p.Ala166Thr (NM_198156.3); short protein forms A207T, A166T.
Identifiers: ClinVar variation 1041369 (VCV001041369.9), dbSNP rs1696366320, ClinGen allele CA351756677.